The following is an entry in ClinVar:

NM_001134363.3(RBM20):c.1153G>A (p.Asp385Asn)

Gene: RBM20 (RNA binding motif protein 20; plus strand). Cytogenetic location: 10q25.2.
Variant type: single nucleotide variant.
Coding change: c.1153G>A on transcript NM_001134363.3 (MANE Select); coding-DNA position 1153, G replaced by A.
Protein change: p.Asp385Asn; replaces aspartic acid 385 with asparagine.
Molecular consequence: missense variant.
Genome position (GRCh38, 1-based): chr10:110,781,762, G>A. VCF-style: chr10-110781762-G-A. GRCh37 (hg19) VCF-style: chr10-112541520-G-A.
Other names: short protein forms D385N.
Identifiers: ClinVar variation 3431234 (VCV003431234.2).

ClinVar aggregate classification (germline): Uncertain significance. Review status: criteria provided, multiple submitters, no conflicts (2 of 4 stars). 2 submissions from 2 submitters: Uncertain significance (2). Last evaluated 2025-11-03.

Conditions:
Cardiovascular phenotype. Identifiers: MedGen CN230736.
Dilated cardiomyopathy 1DD (CMD1DD). Identifiers: Orphanet 154, MedGen C2750995, MONDO:0013168, OMIM 613172.

Submissions (2):

Labcorp Genetics (formerly Invitae), Labcorp
Classification: Uncertain significance for Dilated cardiomyopathy 1DD. Last evaluated: 2025-11-03. Review status: criteria provided, single submitter. Criteria: Invitae Variant Classification Sherloc (09022015). Collection method: clinical testing. Allele origin: germline.
Comment: This sequence change replaces aspartic acid, which is acidic and polar, with asparagine, which is neutral and polar, at codon 385 of the RBM20 protein (p.Asp385Asn). This variant is not present in population databases (gnomAD no frequency). This variant has not been reported in the literature in individuals affected with RBM20-related conditions. ClinVar contains an entry for this variant (Variation ID: 3431234). Invitae Evidence Modeling of protein sequence and biophysical properties (such as structural, functional, and spatial information, amino acid conservation, physicochemical variation, residue mobility, and thermodynamic stability) indicates that this missense variant is not expected to disrupt RBM20 protein function with a negative predictive value of 95%. In summary, the available evidence is currently insufficient to determine the role of this variant in disease. Therefore, it has been classified as a Variant of Uncertain Significance.

Ambry Genetics
Classification: Uncertain significance for Cardiovascular phenotype. Last evaluated: 2024-09-04. Review status: criteria provided, single submitter. Criteria: Ambry Variant Classification Scheme 2023. Collection method: clinical testing. Allele origin: germline.
Comment: The p.D385N variant (also known as c.1153G>A), located in coding exon 2 of the RBM20 gene, results from a G to A substitution at nucleotide position 1153. The aspartic acid at codon 385 is replaced by asparagine, an amino acid with highly similar properties. This amino acid position is conserved. In addition, this alteration is predicted to be tolerated by in silico analysis. Based on the available evidence, the clinical significance of this variant remains unclear.